The following is an entry in ClinVar:

ClinVar aggregate classification (germline): Uncertain significance (1 of 4 stars; one submission).

gnomAD v4.1: 1 of 1,614,176 alleles (0.000062%); highest among the groups gnomAD compares: Non-Finnish European, 0.000085%; no homozygotes.

Submission:

Ambry Genetics
Classification: Uncertain significance. Last evaluated: 2026-08-12. Review status: criteria provided, single submitter. Criteria: Ambry Variant Classification Scheme 2023. Collection method: clinical testing. Allele origin: germline.
Comment: The p.P674Q variant (also known as c.2021C>A), located in coding exon 11 of the ATRIP gene, results from a C to A substitution at nucleotide position 2021. The proline at codon 674 is replaced by glutamine, an amino acid with similar properties. This amino acid position is conserved. In addition, this alteration is predicted to be tolerated by in silico analysis. Based on the available evidence, the clinical significance of this variant remains unclear.

NM_130384.3(ATRIP):c.2021C>A (p.Pro674Gln)

Genes: ATRIP (ATR interacting protein; plus strand), ATRIP-TREX1 (ATRIP-TREX1 readthrough; plus strand). Cytogenetic location: 3p21.31.
Variant type: single nucleotide variant.
Coding change: c.2021C>A on transcript NM_130384.3 (MANE Select); coding-DNA position 2021, C replaced by A.
Protein change: p.Pro674Gln; replaces proline 674 with glutamine.
Molecular consequence: missense variant. On other transcripts: non-coding transcript variant (1), intron variant (1).
Genome position (GRCh38, 1-based): chr3:48,464,628, C>A. VCF-style: chr3-48464628-C-A. GRCh37 (hg19) VCF-style: chr3-48506027-C-A.
Other names: c.1640C>A, p.Pro547Gln (NM_001271022.2); c.1742C>A, p.Pro581Gln (NM_001271023.2); c.1975-203C>A (NM_032166.4); short protein forms P547Q, P674Q, P581Q.
Identifiers: ClinVar variation 5032457 (VCV005032457.1).
Genomic context (GRCh38, chr3:48,464,628, plus strand): 5'-TGTTCTTGTTCTAGGTGGTGTGGCTCCTGGCTAAGCTTGGTGTGCAGAGCCCCTTGCCCC[C>A]AGTCACTGGCTCCAACTGCCAGTGTAATGTGGAGGTGAGTGGGTAGGGGCCAACAGCTGG-3'
Protein context (NP_569055.1, residues 664-684): AKLGVQSPLP[Pro674Gln]VTGSNCQCNV